The following is an entry in ClinVar:

ClinVar aggregate classification (germline): Pathogenic/Likely pathogenic. Review status: criteria provided, multiple submitters, no conflicts (2 of 4 stars). 8 submissions from 8 submitters: Pathogenic (5); Likely pathogenic (1). 2 of the submissions do not count toward it. Last evaluated 2025-10-22.

Conditions:
RDH12-related disorder. Also called: RDH12-related disorders; RDH12-related condition.
Leber congenital amaurosis (LCA). Also called: Leber's amaurosis. Identifiers: Orphanet 65, MedGen C0339527, MeSH D057130, MONDO:0018998.
Leber congenital amaurosis 13 (LCA13). Identifiers: MedGen C2675186, MONDO:0012990, OMIM 612712.

Allele frequency attached by ClinVar (database versions not stated): gnomAD exomes below 0.00001; gnomAD 0.00001.
gnomAD v4.1: 2 of 1,612,480 alleles (0.00012%); highest among the groups gnomAD compares: Non-Finnish European, 0.00017%; no homozygotes.

Submissions (8):

Natera, Inc.
Classification: Pathogenic for Leber congenital amaurosis. Last evaluated: 2025-10-22. Review status: criteria provided, single submitter. Criteria: Natera Variant Classification Schema (03/2026). Collection method: clinical testing. Allele origin: germline.
Comment: The c.677A>G variant in RDH12 is a missense variant predicted to cause substitution of tyrosine to cysteine at amino acid 226. This variant is rare in the general population with a frequency below the threshold expected for the associated phenotype(s). This variant has been observed in one or more individuals affected with the associated recessive disease, as either homozygous or compound heterozygous with a second variant (PMID: 32531858, 37714431, 15258582). Additionally, this variant has been observed to segregate in affected family members (PMID: 15258582). Functional studies show that this variant may disrupt protein function (PMID: 15258582). Computational prediction algorithms indicate this variant is likely to affect gene or protein function. Given the available evidence, this variant is classified as Pathogenic.

Labcorp Genetics (formerly Invitae), Labcorp
Classification: Pathogenic for Leber congenital amaurosis 13. Last evaluated: 2024-01-28. Review status: criteria provided, single submitter. Criteria: Invitae Variant Classification Sherloc (09022015). Collection method: clinical testing. Allele origin: germline.
Comment: This sequence change replaces tyrosine, which is neutral and polar, with cysteine, which is neutral and slightly polar, at codon 226 of the RDH12 protein (p.Tyr226Cys). This variant is not present in population databases (gnomAD no frequency). This missense change has been observed in individual(s) with autosomal recessive retinal dystrophy (PMID: 15258582). It has also been observed to segregate with disease in related individuals. ClinVar contains an entry for this variant (Variation ID: 2046). Advanced modeling of protein sequence and biophysical properties (such as structural, functional, and spatial information, amino acid conservation, physicochemical variation, residue mobility, and thermodynamic stability) performed at Invitae indicates that this missense variant is not expected to disrupt RDH12 protein function with a negative predictive value of 80%. Experimental studies have shown that this missense change affects RDH12 function (PMID: 15258582). For these reasons, this variant has been classified as Pathogenic.

Baylor Genetics
Classification: Pathogenic for Leber congenital amaurosis 13. Last evaluated: 2023-03-03. Review status: criteria provided, single submitter. Criteria: ACMG Guidelines, 2015. Collection method: clinical testing. Allele origin: unknown.

Mendelics
Classification: Likely pathogenic for Leber congenital amaurosis 13. Last evaluated: 2019-05-28. Review status: criteria provided, single submitter. Criteria: Mendelics Assertion Criteria 2017. Collection method: clinical testing. Allele origin: unknown.

Blueprint Genetics
Classification: Pathogenic for RDH12-related disorders. Last evaluated: 2019-01-11. Review status: criteria provided, single submitter. Criteria: ACMG Guidelines, 2015. Collection method: clinical testing. Allele origin: germline. Affected: yes. Observed: 2 variant alleles.

CeGaT Center for Human Genetics Tuebingen
Classification: Pathogenic. Last evaluated: 2016-10-01. Review status: criteria provided, single submitter. Criteria: CeGaT Center For Human Genetics Tuebingen Variant Classification Criteria Version 2. Collection method: clinical testing. Allele origin: germline. Affected: yes. Observed: 1 variant allele.

OMIM
Classification: Pathogenic for LEBER CONGENITAL AMAUROSIS 13. Last evaluated: 2004-10-01. Review status: no assertion criteria provided. Collection method: literature only. Allele origin: germline. Not counted in ClinVar's aggregate classification.

Laboratory of Genetics in Ophthalmology, Institut Imagine
Classification: Pathogenic for Leber congenital amaurosis 13. Review status: no assertion criteria provided. Collection method: research. Allele origin: inherited. Affected: yes. Observed: 1 variant allele. Not counted in ClinVar's aggregate classification.

Literature cited by the submitters: PubMed 32531858 (cited by Natera, Inc.); PubMed 37714431 (cited by Natera, Inc.); PubMed 15258582 (cited by 4 submitters); PubMed 15322982 (cited by OMIM).

NM_152443.3(RDH12):c.677A>G (p.Tyr226Cys)

Genes: GPHN (gephyrin; plus strand), RDH12 (retinol dehydrogenase 12; plus strand), ZFYVE26 (zinc finger FYVE-type containing 26; minus strand). Cytogenetic location: 14q24.1.
Variant type: single nucleotide variant.
Coding change: c.677A>G on transcript NM_152443.3 (MANE Select); coding-DNA position 677, A replaced by G.
Protein change: p.Tyr226Cys; replaces tyrosine 226 with cysteine.
Molecular consequence: missense variant.
Genome position (GRCh38, 1-based): chr14:67,729,209, A>G. VCF-style: chr14-67729209-A-G. GRCh37 (hg19) VCF-style: chr14-68195926-A-G.
Other names: short protein forms Y226C.
Identifiers: ClinVar variation 2046 (VCV000002046.57), dbSNP rs28940313, ClinGen allele CA252077.